The following is an entry in ClinVar:

ClinVar aggregate classification (germline): Likely benign (1 of 4 stars; one submission).

gnomAD v4.1: 18 of 1,613,328 alleles (0.0011%); highest among the groups gnomAD compares: African/African-American, 0.0027%; no homozygotes.

Submission:

CeGaT Center for Human Genetics Tuebingen
Classification: Likely benign. Last evaluated: 2026-09-01. Review status: criteria provided, single submitter. Criteria: CeGaT Center For Human Genetics Tuebingen Variant Classification Criteria Version 2. Collection method: clinical testing. Allele origin: germline. Affected: yes. Observed: 1 variant allele.
Comment: GRM7: BP4, BP7

NM_000844.4(GRM7):c.1557C>T (p.Pro519=)

Gene: GRM7 (glutamate metabotropic receptor 7; plus strand). Cytogenetic location: 3p26.1.
Variant type: single nucleotide variant.
Coding change: c.1557C>T on transcript NM_000844.4 (MANE Select); coding-DNA position 1557, C replaced by T.
Protein change: p.Pro519=; no amino-acid change (proline 519 retained).
Molecular consequence: synonymous variant.
Genome position (GRCh38, 1-based): chr3:7,578,463, C>T. VCF-style: chr3-7578463-C-T. GRCh37 (hg19) VCF-style: chr3-7620150-C-T.
Other names: c.1557C>T, p.Pro519= (NM_181874.3).
Identifiers: ClinVar variation 5041175 (VCV005041175.1).